The following is an entry in ClinVar:

ClinVar aggregate classification (germline): Uncertain significance (1 of 4 stars; one submission).

Allele frequency attached by ClinVar (database versions not stated): TOPMed below 0.00001; ExAC 0.00001; gnomAD 0.00001.
gnomAD v4.1: 78 of 1,613,108 alleles (0.0048%); highest among the groups gnomAD compares: Non-Finnish European, 0.0062%; no homozygotes.

Submission:

Labcorp Genetics (formerly Invitae), Labcorp
Classification: Uncertain significance. Last evaluated: 2024-07-17. Review status: criteria provided, single submitter. Criteria: Invitae Variant Classification Sherloc (09022015). Collection method: clinical testing. Allele origin: germline.
Comment: This sequence change replaces phenylalanine, which is neutral and non-polar, with valine, which is neutral and non-polar, at codon 941 of the ITGAM protein (p.Phe941Val). This variant is present in population databases (rs747544873, gnomAD 0.004%). This missense change has been observed in individual(s) with systemic lupus erythematosus (PMID: 24886912). ClinVar contains an entry for this variant (Variation ID: 2137805). An algorithm developed to predict the effect of missense changes on protein structure and function (PolyPhen-2) suggests that this variant is likely to be disruptive. Experimental studies have shown that this missense change affects ITGAM function (PMID: 24886912). In summary, the available evidence is currently insufficient to determine the role of this variant in disease. Therefore, it has been classified as a Variant of Uncertain Significance.

Literature cited by the submitters: PubMed 24886912.

NM_000632.4(ITGAM):c.2821T>G (p.Phe941Val)

Gene: ITGAM (integrin subunit alpha M; plus strand). Cytogenetic location: 16p11.2.
Variant type: single nucleotide variant.
Coding change: c.2821T>G on transcript NM_000632.4 (MANE Select); coding-DNA position 2821, T replaced by G.
Protein change: p.Phe941Val; replaces phenylalanine 941 with valine.
Molecular consequence: missense variant.
Genome position (GRCh38, 1-based): chr16:31,329,256, T>G. VCF-style: chr16-31329256-T-G. GRCh37 (hg19) VCF-style: chr16-31340577-T-G.
Other names: c.2824T>G, p.Phe942Val (NM_001145808.2); short protein forms F942V, F941V.
Identifiers: ClinVar variation 2137805 (VCV002137805.4), dbSNP rs747544873, ClinGen allele CA8025985.